The following is an entry in ClinVar:

NM_001846.4(COL4A2):c.*14A>G

Gene: COL4A2 (collagen type IV alpha 2 chain; plus strand). Cytogenetic location: 13q34.
Variant type: single nucleotide variant.
Coding change: c.*14A>G on transcript NM_001846.4 (MANE Select); 14 bases downstream of the stop codon, A replaced by G.
Molecular consequence: 3 prime UTR variant.
Genome position (GRCh38, 1-based): chr13:110,512,205, A>G. VCF-style: chr13-110512205-A-G. GRCh37 (hg19) VCF-style: chr13-111164552-A-G.
Identifiers: ClinVar variation 4688473 (VCV004688473.1).

ClinVar aggregate classification (germline): Uncertain significance (1 of 4 stars; one submission).

gnomAD v4.1: 27 of 1,605,824 alleles (0.0017%); highest among the groups gnomAD compares: African/African-American, 0.015%; no homozygotes.

Submission:

Women's Health and Genetics/Laboratory Corporation of America, LabCorp
Classification: Uncertain significance. Last evaluated: 2025-12-09. Review status: criteria provided, single submitter. Criteria: LabCorp Variant Classification Summary - May 2015. Collection method: clinical testing. Allele origin: germline.
Comment: Variant summary: COL4A2 c.*14A>G is located in the untranslated mRNA region downstream of the termination codon. The variant was absent in 241558 control chromosomes. The available data on variant occurrences in the general population are insufficient to allow any conclusion about variant significance. To our knowledge, no occurrence of c.*14A>G in individuals affected with COL4A2-related conditions and no experimental evidence demonstrating its impact on protein function have been reported. No submitters have cited clinical-significance assessments for this variant to ClinVar. Based on the evidence outlined above, the variant was classified as uncertain significance.